The following is an entry in ClinVar:

NM_003597.5(KLF11):c.559T>C (p.Phe187Leu)

Gene: KLF11 (KLF transcription factor 11; plus strand). Cytogenetic location: 2p25.1.
Variant type: single nucleotide variant.
Coding change: c.559T>C on transcript NM_003597.5 (MANE Select); coding-DNA position 559, T replaced by C.
Protein change: p.Phe187Leu; replaces phenylalanine 187 with leucine.
Molecular consequence: missense variant.
Genome position (GRCh38, 1-based): chr2:10,047,896, T>C. VCF-style: chr2-10047896-T-C. GRCh37 (hg19) VCF-style: chr2-10188023-T-C.
Other names: c.508T>C, p.Phe170Leu (NM_001177716.2, NM_001177718.2); short protein forms F170L, F187L.
Identifiers: ClinVar variation 4765504 (VCV004765504.1).

ClinVar aggregate classification (germline): Uncertain significance (1 of 4 stars; one submission).

gnomAD v4.1: 2 of 1,613,678 alleles (0.00012%); highest among the groups gnomAD compares: Non-Finnish European, 0.00017%; no homozygotes.

Submission:

Labcorp Genetics (formerly Invitae), Labcorp
Classification: Uncertain significance. Last evaluated: 2025-11-12. Review status: criteria provided, single submitter. Criteria: Invitae Variant Classification Sherloc (09022015). Collection method: clinical testing. Allele origin: germline.
Comment: This sequence change replaces phenylalanine, which is neutral and non-polar, with leucine, which is neutral and non-polar, at codon 187 of the KLF11 protein (p.Phe187Leu). The frequency data for this variant in the population databases is considered unreliable, as metrics indicate poor data quality at this position in the gnomAD database. This variant has not been reported in the literature in individuals affected with KLF11-related conditions. An algorithm developed to predict the effect of missense changes on protein structure and function outputs the following: PolyPhen-2: "Benign". The leucine amino acid residue is found in multiple mammalian species, which suggests that this missense change does not adversely affect protein function. In summary, the available evidence is currently insufficient to determine the role of this variant in disease. Therefore, it has been classified as a Variant of Uncertain Significance.